The following is an entry in ClinVar:

ClinVar aggregate classification (germline): Conflicting classifications of pathogenicity. Review status: criteria provided, conflicting classifications (1 of 4 stars). 3 submissions from 3 submitters: Uncertain significance (2); Likely benign (1). Last evaluated 2026-06-19.

Conditions:
TSPAN12-related disorder. Also called: TSPAN12-related condition.

Allele frequency attached by ClinVar (database versions not stated): gnomAD 0.00001; TOPMed 0.00003; ExAC 0.00004; gnomAD exomes 0.00006.
gnomAD v4.1: 7 of 1,605,326 alleles (0.00044%); highest among the groups gnomAD compares: East Asian, 0.016%; no homozygotes.

Submissions (3):

PreventionGenetics, part of Exact Sciences
Classification: Uncertain significance for TSPAN12-related condition. Last evaluated: 2026-06-19. Review status: criteria provided, single submitter. Criteria: ACMG Guidelines, 2015. Collection method: clinical testing. Allele origin: germline.
Comment: The TSPAN12 c.464G>C variant is predicted to result in the amino acid substitution p.Arg155Thr. This variant was reported in an individual with familial exudative vitreoretinopathy (Tang et al. 2017. PubMed ID: 29181528). This variant is reported in 0.076% of alleles in individuals of East Asian descent in gnomAD. At this time, the clinical significance of this variant is uncertain due to the absence of conclusive functional and genetic evidence.

Labcorp Genetics (formerly Invitae), Labcorp
Classification: Uncertain significance. Last evaluated: 2024-08-20. Review status: criteria provided, single submitter. Criteria: Invitae Variant Classification Sherloc (09022015). Collection method: clinical testing. Allele origin: germline.
Comment: This sequence change replaces arginine, which is basic and polar, with threonine, which is neutral and polar, at codon 155 of the TSPAN12 protein (p.Arg155Thr). This variant is present in population databases (rs768053082, gnomAD 0.08%), and has an allele count higher than expected for a pathogenic variant. This missense change has been observed in individual(s) with familial exudative vitreoretinopathy (PMID: 29181528). ClinVar contains an entry for this variant (Variation ID: 1505295). Invitae Evidence Modeling of protein sequence and biophysical properties (such as structural, functional, and spatial information, amino acid conservation, physicochemical variation, residue mobility, and thermodynamic stability) indicates that this missense variant is not expected to disrupt TSPAN12 protein function with a negative predictive value of 80%. In summary, the available evidence is currently insufficient to determine the role of this variant in disease. Therefore, it has been classified as a Variant of Uncertain Significance.

Blueprint Genetics
Classification: Likely benign. Last evaluated: 2019-03-19. Review status: criteria provided, single submitter. Criteria: ACMG Guidelines, 2015. Collection method: clinical testing. Allele origin: germline.

Literature cited by the submitters: PubMed 29181528 (cited by Labcorp Genetics (formerly Invitae), Labcorp).

NM_012338.4(TSPAN12):c.464G>C (p.Arg155Thr)

Gene: TSPAN12 (tetraspanin 12; minus strand). Cytogenetic location: 7q31.31.
Variant type: single nucleotide variant.
Coding change: c.464G>C on transcript NM_012338.4 (MANE Select); coding-DNA position 464, G replaced by C.
Protein change: p.Arg155Thr; replaces arginine 155 with threonine.
Molecular consequence: missense variant.
Genome position (GRCh38, 1-based): chr7:120,810,467, C>G on the plus strand (G>C on the coding strand, the complement: TSPAN12 is on the minus strand). VCF-style: chr7-120810467-C-G. GRCh37 (hg19) VCF-style: chr7-120450521-C-G.
Other names: c.464G>C (NM_012338.3); short protein forms R155T.
Identifiers: ClinVar variation 1505295 (VCV001505295.8), dbSNP rs768053082, ClinGen allele CA4453889.